The following is an entry in ClinVar:

NC_000021.8:g.(?_35736455)_(35821952_?)dup

Genes: KCNE1 (potassium voltage-gated channel subfamily E regulatory subunit 1; minus strand), KCNE2 (potassium voltage-gated channel subfamily E regulatory subunit 2; plus strand), SMIM11 (small integral membrane protein 11; plus strand). Cytogenetic location: 21q22.11-22.12.
Variant type: Duplication.
Identifiers: ClinVar variation 456855 (VCV000456855.2).

ClinVar aggregate classification (germline): Uncertain significance (1 of 4 stars; one submission).

Conditions:
Long QT syndrome (LQTS). Identifiers: MedGen C0023976, MeSH D008133, MONDO:0002442. Disease mechanism: loss of function. Inheritance: Various modes of inheritance.

Submission:

Labcorp Genetics (formerly Invitae), Labcorp
Classification: Uncertain significance for Long QT syndrome. Last evaluated: 2018-07-06. Review status: criteria provided, single submitter. Criteria: Invitae Variant Classification Sherloc (09022015). Collection method: clinical testing. Allele origin: germline.
Comment: This variant results in a copy number gain of theÂ¬â€ genomic region encompassing the full coding sequence of the KCNE1 gene has been identified. The boundaries of this event are unknown as the duplication extends beyond the assayed region for this gene and therefore may encompass additional genes. As the precise location of this duplication is unknown, it may be in tandem or it may be located elsewhere in the genome. Duplications confined to KCNE1 have not been reported in the literature in individuals with a KCNE1-related disease. A contiguous gene duplication that includes the KCNE1 gene was reported in an individual with pulmonary arterial atresia, and an individual with atrial septal defect (PMID: 25640679) In summary, the available evidence is currently insufficient to determine the role of this variant in disease. Therefore, it has been classified as a Variant of Uncertain Significance.